The following is an entry in ClinVar:

ClinVar aggregate classification (germline): Pathogenic/Likely pathogenic. Review status: criteria provided, multiple submitters, no conflicts (2 of 4 stars). 4 submissions from 4 submitters: Pathogenic (3); Likely pathogenic (1). Last evaluated 2025-02-16.

Conditions:
Familial hypokalemia-hypomagnesemia (GTLMNS). Also called: gitelman syndrome; HYPOMAGNESEMIA-HYPOKALEMIA, PRIMARY RENOTUBULAR, WITH HYPOCALCIURIA; POTASSIUM AND MAGNESIUM DEPLETION. Identifiers: Orphanet 358, MedGen C0268450, MONDO:0009904, OMIM 263800.

Allele frequency attached by ClinVar (database versions not stated): TOPMed below 0.00001; ExAC 0.00001; gnomAD exomes 0.00001; ESP Exome Variant Server 0.00015.
gnomAD v4.1: 15 of 1,613,342 alleles (0.00093%); highest among the groups gnomAD compares: Non-Finnish European, 0.0013%; no homozygotes.

Submissions (4):

Natera, Inc.
Classification: Pathogenic for Gitelman syndrome. Last evaluated: 2025-02-16. Review status: criteria provided, single submitter. Criteria: Natera Variant Classification Schema (03/2026). Collection method: clinical testing. Allele origin: germline.
Comment: The c.1424C>G variant in SLC12A3 is a missense variant predicted to cause substitution of serine to cysteine at amino acid 475. This variant is rare in the general population with a frequency below the threshold expected for the associated phenotype(s). This variant has been observed in one or more individuals affected with the associated recessive disease, as either homozygous or compound heterozygous with a second variant (PMID: 20552229, 20675610, 21415153). Computational prediction algorithms indicate this variant is likely to affect gene or protein function. Given the available evidence, this variant is classified as Pathogenic.

GeneDx
Classification: Pathogenic. Last evaluated: 2025-01-02. Review status: criteria provided, single submitter. Criteria: GeneDx Variant Classification Process June 2021. Collection method: clinical testing. Allele origin: germline. Affected: yes.
Comment: Published functional studies suggest this variant causes reduced sodium uptake (PMID: 22009145); Not observed at significant frequency in large population cohorts (gnomAD); In silico analysis supports that this missense variant has a deleterious effect on protein structure/function; This variant is associated with the following publications: (PMID: 36351028, 20552229, 22009145, 31672324, 25422309, 32397528, 34046503, 26825084, 21415153, 20675610)

Fulgent Genetics
Classification: Likely pathogenic for Familial hypokalemia-hypomagnesemia. Last evaluated: 2024-06-24. Review status: criteria provided, single submitter. Criteria: ACMG Guidelines, 2015. Collection method: clinical testing. Allele origin: germline.

Labcorp Genetics (formerly Invitae), Labcorp
Classification: Pathogenic. Last evaluated: 2023-07-24. Review status: criteria provided, single submitter. Criteria: Invitae Variant Classification Sherloc (09022015). Collection method: clinical testing. Allele origin: germline.
Comment: For these reasons, this variant has been classified as Pathogenic. Experimental studies have shown that this missense change affects SLC12A3 function (PMID: 22009145). Advanced modeling of protein sequence and biophysical properties (such as structural, functional, and spatial information, amino acid conservation, physicochemical variation, residue mobility, and thermodynamic stability) performed at Invitae indicates that this missense variant is expected to disrupt SLC12A3 protein function. ClinVar contains an entry for this variant (Variation ID: 2137824). This missense change has been observed in individual(s) with Gitelman syndrome (PMID: 20552229, 22009145, 31672324). In at least one individual the data is consistent with being in trans (on the opposite chromosome) from a pathogenic variant. This variant is present in population databases (rs373017321, gnomAD 0.002%). This sequence change replaces serine, which is neutral and polar, with cysteine, which is neutral and slightly polar, at codon 475 of the SLC12A3 protein (p.Ser475Cys).

Literature cited by the submitters: PubMed 20552229 (cited by Natera, Inc. and Labcorp Genetics (formerly Invitae), Labcorp); PubMed 20675610 (cited by Natera, Inc.); PubMed 21415153 (cited by Natera, Inc.); PubMed 22009145 (cited by Labcorp Genetics (formerly Invitae), Labcorp); PubMed 31672324 (cited by Labcorp Genetics (formerly Invitae), Labcorp).

NM_001126108.2(SLC12A3):c.1424C>G (p.Ser475Cys)

Gene: SLC12A3 (solute carrier family 12 member 3; plus strand). Cytogenetic location: 16q13.
Variant type: single nucleotide variant.
Coding change: c.1424C>G on transcript NM_001126108.2 (MANE Select); coding-DNA position 1424, C replaced by G.
Protein change: p.Ser475Cys; replaces serine 475 with cysteine.
Molecular consequence: missense variant.
Genome position (GRCh38, 1-based): chr16:56,879,630, C>G. VCF-style: chr16-56879630-C-G. GRCh37 (hg19) VCF-style: chr16-56913542-C-G.
Other names: c.1424C>G (NM_000339.2); c.1424C>G, p.Ser475Cys (NM_000339.3); c.1421C>G, p.Ser474Cys (NM_001126107.2, NM_001410896.1); short protein forms S474C, S475C.
Identifiers: ClinVar variation 2137824 (VCV002137824.8), dbSNP rs373017321, ClinGen allele CA8069462.